The following is an entry in ClinVar:

ClinVar aggregate classification (germline): Uncertain significance (1 of 4 stars; one submission).

Conditions:
Compton-North congenital myopathy (CMYO12). Identifiers: Orphanet 210163, MedGen C2675527, MONDO:0012929, OMIM 612540.

Allele frequency attached by ClinVar (database versions not stated): TOPMed below 0.00001; gnomAD exomes 0.00001.
gnomAD v4.1: 15 of 1,610,092 alleles (0.00093%); highest among the groups gnomAD compares: Non-Finnish European, 0.0013%; no homozygotes.

Submission:

Labcorp Genetics (formerly Invitae), Labcorp
Classification: Uncertain significance for Compton-North congenital myopathy. Last evaluated: 2022-11-08. Review status: criteria provided, single submitter. Criteria: Invitae Variant Classification Sherloc (09022015). Collection method: clinical testing. Allele origin: germline.
Comment: This variant has not been reported in the literature in individuals affected with CNTN1-related conditions. In summary, the available evidence is currently insufficient to determine the role of this variant in disease. Therefore, it has been classified as a Variant of Uncertain Significance. Advanced modeling of protein sequence and biophysical properties (such as structural, functional, and spatial information, amino acid conservation, physicochemical variation, residue mobility, and thermodynamic stability) performed at Invitae indicates that this missense variant is not expected to disrupt CNTN1 protein function. ClinVar contains an entry for this variant (Variation ID: 1027237). This variant is not present in population databases (gnomAD no frequency). This sequence change replaces isoleucine, which is neutral and non-polar, with valine, which is neutral and non-polar, at codon 15 of the CNTN1 protein (p.Ile15Val).

NM_001843.4(CNTN1):c.43A>G (p.Ile15Val)

Gene: CNTN1 (contactin 1; plus strand). Cytogenetic location: 12q12.
Variant type: single nucleotide variant.
Coding change: c.43A>G on transcript NM_001843.4 (MANE Select); coding-DNA position 43, A replaced by G.
Protein change: p.Ile15Val; replaces isoleucine 15 with valine.
Molecular consequence: missense variant.
Genome position (GRCh38, 1-based): chr12:40,908,475, A>G. VCF-style: chr12-40908475-A-G. GRCh37 (hg19) VCF-style: chr12-41302277-A-G.
Other names: c.43A>G, p.Ile15Val (NM_001256063.2, NM_001256064.2, NM_175038.2); short protein forms I15V.
Identifiers: ClinVar variation 1027237 (VCV001027237.9), dbSNP rs1944915906, ClinGen allele CA384421376.